The following is an entry in ClinVar:

NM_003590.5(CUL3):c.895A>G (p.Met299Val)

Gene: CUL3 (cullin 3; minus strand). Cytogenetic location: 2q36.2.
Variant type: single nucleotide variant.
Coding change: c.895A>G on transcript NM_003590.5 (MANE Select); coding-DNA position 895, A replaced by G.
Protein change: p.Met299Val; replaces methionine 299 with valine.
Molecular consequence: missense variant.
Genome position (GRCh38, 1-based): chr2:224,506,992, T>C on the plus strand (A>G on the coding strand, the complement: CUL3 is on the minus strand). VCF-style: chr2-224506992-T-C. GRCh37 (hg19) VCF-style: chr2-225371709-T-C.
Other names: c.697A>G, p.Met233Val (NM_001257197.2); c.913A>G, p.Met305Val (NM_001257198.2); short protein forms M305V, M233V, M299V.
Identifiers: ClinVar variation 4747311 (VCV004747311.1).

ClinVar aggregate classification (germline): Uncertain significance (1 of 4 stars; one submission).

Submission:

Labcorp Genetics (formerly Invitae), Labcorp
Classification: Uncertain significance. Last evaluated: 2025-03-13. Review status: criteria provided, single submitter. Criteria: Invitae Variant Classification Sherloc (09022015). Collection method: clinical testing. Allele origin: germline.
Comment: This sequence change replaces methionine, which is neutral and non-polar, with valine, which is neutral and non-polar, at codon 299 of the CUL3 protein (p.Met299Val). This variant is not present in population databases (gnomAD no frequency). This variant has not been reported in the literature in individuals affected with CUL3-related conditions. Invitae Evidence Modeling of protein sequence and biophysical properties (such as structural, functional, and spatial information, amino acid conservation, physicochemical variation, residue mobility, and thermodynamic stability) has been performed for this missense variant. However, the output from this modeling did not meet the statistical confidence thresholds required to predict the impact of this variant on CUL3 protein function. In summary, the available evidence is currently insufficient to determine the role of this variant in disease. Therefore, it has been classified as a Variant of Uncertain Significance.